The following is an entry in ClinVar:

ClinVar aggregate classification (germline): Pathogenic (0 of 4 stars; one submission).

Conditions:
Congenital heart disease (CHD). Identifiers: MedGen C0152021, MONDO:0005453. Disease mechanism: unknown.

Submission:

Cytogenetics- Mohapatra Lab, Banaras Hindu University
Classification: Pathogenic for Congenital heart disease. Last evaluated: 2012-11-02. Review status: no assertion criteria provided. Collection method: case-control. Allele origin: unknown. Affected: yes. Observed: 1 variant allele.
Comment: Atrial septal defect with ventricular septal defect

NM_004387.4(NKX2-5):c.335-1G>T

Gene: NKX2-5 (NK2 homeobox 5; minus strand). Cytogenetic location: 5q35.1.
Variant type: single nucleotide variant.
Coding change: c.335-1G>T on transcript NM_004387.4 (MANE Select); the canonical splice acceptor site of the intron before coding-DNA position 335, G replaced by T.
Molecular consequence: splice acceptor variant. On other transcripts: 3 prime UTR variant (2).
Genome position (GRCh38, 1-based): chr5:173,233,210, C>A on the plus strand (G>T on the coding strand, the complement: NKX2-5 is on the minus strand). VCF-style: chr5-173233210-C-A. GRCh37 (hg19) VCF-style: chr5-172660213-C-A.
Other names: c.*287G>T (NM_001166175.2); c.*133G>T (NM_001166176.2).
Identifiers: ClinVar variation 219165 (VCV000219165.2), dbSNP rs864321645, ClinGen allele CA279949.